The following continues an entry in ClinVar:

NM_000059.4(BRCA2):c.7878G>C (p.Trp2626Cys)

Gene: BRCA2. ClinVar aggregate classification (germline): Pathogenic. Pathogenic (1).

Submission 38 of 38:

Department of Pathology and Laboratory Medicine, Sinai Health System
Classification: Likely pathogenic for Malignant tumor of breast. Review status: no assertion criteria provided. Collection method: clinical testing. Allele origin: unknown. Affected: yes. Study: The Canadian Open Genetics Repository (COGR). Not counted in ClinVar's aggregate classification.
Comment: The BRCA2 p.Trp2626Cys variant was identified in 4 of 7208 proband chromosomes (frequency: 0.0006) from individuals or families with contralateral and unilateral breast cancers, and was not identified in 2996 control chromosomes from healthy individuals (Borg 2010 PMID:20104584, Pruss 2014 PMID:25085752, Capanu 2011 PMID:21520273, Petersen 2016 PMID:26733283). The variant has also been identified in at least one patient with Fanconi anemia who also harboured a BRCA2 frameshift pathogenic variant (Stoepker 2015 PMID:25583207). In a study done to classify unknown variants, the variant was submitted to web-based algorithms using Align-GVGD, Grantham Variation and Grantham Deviation scores and found to be class (C65) of substitutions, which is most likely to interfere with function and was scored as possibly deleterious (Borg 2010 PMID:20104584). Furthermore studies classified the variant as deleterious based on a loss of DNA repair function identified through function studies (Biswas 2011 PMID:21719596, Guidugli 2013 PMID: 23108138, Hendriks 2014 PMID:25146914). The variant was shown to be sensitive to PARP inhibitors when present in a cell line derived from a patient with Fanconi anemia (Stoepker 2015). In addition Lindor et al. 2011 (PMID:21990134) determined the variant to be pathogenic (48.14 possibility of causality) when they weighted together segregation data, co-occurrence with pathogenic variants, personal and family history, and tumor pathology. However the above study by Biswas et al. 2011 demonstrated that the variant may be hypomorphic as it was able to recuse lethality in embryonic stem cells (notably in a similar experiment in the Hendrick et al. study the variant did not rescue lethality), and Pruss et al. 2014 also classified the variant as hypomorphic based on clinic history weighting algorithm. The variant was identified in dbSNP (ID: rs80359013 â€šÃ„ÃºWith Pathogenic Alleleâ€šÃ„Ã¹, in 1000 Genomes Project in 2 of 100000 chromosomes (frequency: 0.00002). The variant was also identified in the Exome Aggregation Consortium database (released Mar 14, 2016) in 2 of 121350 chromosomes (frequency: 0.00002) from a population of 2 of 66726 (0.00003) of European (Non-Finnish) alleles, although this low number of observations and low frequency is not substantive enough to determine the prevalence of the variant in the general population and its relationship to disease. The variant was also identified in GeneInsight-COGR by Trillum Health Partners 1x as Class 5, in Clinvar (pathogenic by ENIGMA, Quest, CIMBA, Counsyl, LMM, and Invitae, AND as likely pathogenic by LabCorp, GeneDx, Oslo University, Ambry, SCRP, and Medical University Innsbruck as well as Uncertain Significance by BIC). The variant is further identified in the BIC database 14X with unknown clinical importance, in the ARUP Laboratories BRCA Mutations Database 1x as definitely pathogenic, in the Fanconi Anemia Mutation Database (LOVD) 2x as predicted deleterious and 1x with reduced complementation. The variant was not listed in the COSMIC, MutDB, and UMD databases. The p.Trp2626 residue is conserved across mammals and other organisms, and computational analyses (PolyPhen-2, SIFT, AlignGVGD, BLOSUM, MutationTaster) suggest that the variant may impact the protein; however, this information is not predictive enough to assume pathogenicity. The variant occurs outside of the splicing consensus sequence and in silico or computational prediction software programs (SpliceSiteFinder, MaxEntScan, NNSPLICE, GeneSplicer, HumanSpliceFinder) do not predict a difference in splicing. In summary, based on the above information, the clinical significance of this variant cannot be determined with certainty at this time although we would lean towards a more pathogenic role for this variant. This variant is classified as likely pathogenic.

Literature cited by the submitters: PubMed 23108138 (cited by 8 submitters); PubMed 11802209 (cited by 8 submitters); PubMed 15070707 (cited by 8 submitters); PubMed 20104584 (cited by 9 submitters); PubMed 21138478 (cited by 7 submitters); PubMed 21203900 (cited by 9 submitters); PubMed 21719596 (cited by 9 submitters); PubMed 22666503 (cited by 8 submitters); PubMed 25085752 (cited by 7 submitters); PubMed 25146914 (cited by 9 submitters); PubMed 26014432 (cited by 5 submitters); PubMed 27194814 (cited by 5 submitters); PubMed 29394989 (cited by Ambry Genetics and Quest Diagnostics Nichols Institute San Juan Capistrano); PubMed 29988080 (cited by 6 submitters); PubMed 16115142 (cited by 6 submitters); PubMed 17924331 (cited by 5 submitters); PubMed 21990134 (cited by 4 submitters); PubMed 29884841 (cited by 5 submitters); PubMed 17100994 (cited by Mayo Clinic Laboratories, Mayo Clinic and Laboratory for Molecular Medicine, Mass General Brigham Personalized Medicine); PubMed 32444794 (cited by Mayo Clinic Laboratories, Mayo Clinic and Quest Diagnostics Nichols Institute San Juan Capistrano); PubMed 33471991 (cited by Color Diagnostics, LLC DBA Color Health and All of Us Research Program, National Institutes of Health); PubMed 33978741 (cited by 3 submitters); PubMed 34906479 (cited by 3 submitters); PubMed 39779857 (cited by Color Diagnostics, LLC DBA Color Health); PubMed 26295337 (cited by Quest Diagnostics Nichols Institute San Juan Capistrano); PubMed 25583207 (cited by Quest Diagnostics Nichols Institute San Juan Capistrano); PubMed 25782689 (cited by Quest Diagnostics Nichols Institute San Juan Capistrano); PubMed 26566862 (cited by Quest Diagnostics Nichols Institute San Juan Capistrano); PubMed 27495310 (cited by Quest Diagnostics Nichols Institute San Juan Capistrano); PubMed 30720243 (cited by Quest Diagnostics Nichols Institute San Juan Capistrano); PubMed 29339979 (cited by Quest Diagnostics Nichols Institute San Juan Capistrano and Women's Health and Genetics/Laboratory Corporation of America, LabCorp); PubMed 26733283 (cited by Quest Diagnostics Nichols Institute San Juan Capistrano and Laboratory for Molecular Medicine, Mass General Brigham Personalized Medicine); PubMed 32853339 (cited by Quest Diagnostics Nichols Institute San Juan Capistrano); PubMed 32885271 (cited by Quest Diagnostics Nichols Institute San Juan Capistrano); PubMed 34680878 (cited by Quest Diagnostics Nichols Institute San Juan Capistrano); PubMed 31853058 (cited by Quest Diagnostics Nichols Institute San Juan Capistrano); PubMed 30696104 (cited by Quest Diagnostics Nichols Institute San Juan Capistrano); PubMed 30728895 (cited by Quest Diagnostics Nichols Institute San Juan Capistrano); PubMed 30257646 (cited by Quest Diagnostics Nichols Institute San Juan Capistrano); PubMed 16825431 (cited by Quest Diagnostics Nichols Institute San Juan Capistrano); PubMed 21520273 (cited by Quest Diagnostics Nichols Institute San Juan Capistrano and Women's Health and Genetics/Laboratory Corporation of America, LabCorp); PubMed 19043619 (cited by Quest Diagnostics Nichols Institute San Juan Capistrano); PubMed 24323938 (cited by Quest Diagnostics Nichols Institute San Juan Capistrano); PubMed 32295079 (cited by CZECANCA consortium).